The following is an entry in ClinVar:

ClinVar aggregate classification (germline): Conflicting classifications of pathogenicity. Review status: criteria provided, conflicting classifications (1 of 4 stars). 5 submissions from 5 submitters: Uncertain significance (1); Likely benign (3). 1 of the submissions does not count toward it. Last evaluated 2025-12-25.

Conditions:
Inborn genetic diseases. Identifiers: MedGen C0950123, MeSH D030342.
Nephronophthisis 16 (NPHP16). Identifiers: Orphanet 655, MedGen C3809320, MONDO:0014158, OMIM 615382.
ANKS6-related disorder. Also called: ANKS6-related condition.

Allele frequency attached by ClinVar (database versions not stated): 1000 Genomes Project 30x 0.00016; 1000 Genomes Project 0.00020; TOPMed 0.00088; gnomAD 0.00096; ESP Exome Variant Server 0.00101.
gnomAD v4.1: 268 of 1,604,166 alleles (0.017%); highest among the groups gnomAD compares: African/African-American, 0.33%; no homozygotes.

Submissions (5):

Labcorp Genetics (formerly Invitae), Labcorp
Classification: Likely benign for Nephronophthisis 16. Last evaluated: 2025-12-25. Review status: criteria provided, single submitter. Criteria: Invitae Variant Classification Sherloc (09022015). Collection method: clinical testing. Allele origin: germline.

Ambry Genetics
Classification: Likely benign for Inborn genetic diseases. Last evaluated: 2025-06-18. Review status: criteria provided, single submitter. Criteria: Ambry Variant Classification Scheme 2023. Collection method: clinical testing. Allele origin: germline.

Mayo Clinic Laboratories, Mayo Clinic
Classification: Likely benign. Last evaluated: 2025-05-20. Review status: criteria provided, single submitter. Criteria: ACMG Guidelines, 2015. Collection method: clinical testing. Allele origin: germline. Observed: 1 variant allele.
Comment: BP4_moderate

GeneDx
Classification: Uncertain significance. Last evaluated: 2023-11-21. Review status: criteria provided, single submitter. Criteria: GeneDx Variant Classification Process June 2021. Collection method: clinical testing. Allele origin: germline. Affected: yes.
Comment: In silico analysis supports that this missense variant does not alter protein structure/function; Has not been previously published as pathogenic or benign to our knowledge

PreventionGenetics, part of Exact Sciences
Classification: Likely benign for ANKS6-related condition. Last evaluated: 2023-07-01. Review status: no assertion criteria provided. Collection method: clinical testing. Allele origin: germline. Not counted in ClinVar's aggregate classification.
Comment: This variant is classified as likely benign based on ACMG/AMP sequence variant interpretation guidelines (Richards et al. 2015 PMID: 25741868, with internal and published modifications).

NM_173551.5(ANKS6):c.772G>C (p.Glu258Gln)

Gene: ANKS6 (ankyrin repeat and sterile alpha motif domain containing 6; minus strand). Cytogenetic location: 9q22.33.
Variant type: single nucleotide variant.
Coding change: c.772G>C on transcript NM_173551.5 (MANE Select); coding-DNA position 772, G replaced by C.
Protein change: p.Glu258Gln; replaces glutamic acid 258 with glutamine.
Molecular consequence: missense variant.
Genome position (GRCh38, 1-based): chr9:98,790,194, C>G on the plus strand (G>C on the coding strand, the complement: ANKS6 is on the minus strand). VCF-style: chr9-98790194-C-G. GRCh37 (hg19) VCF-style: chr9-101552476-C-G.
Other names: p.Glu258Gln; c.772G>C (NM_173551.3); short protein forms E258Q.
Identifiers: ClinVar variation 778950 (VCV000778950.15), dbSNP rs200201069, ClinGen allele CA5153756.